The following is an entry in ClinVar:

ClinVar aggregate classification (germline): Pathogenic. Review status: criteria provided, multiple submitters, no conflicts (2 of 4 stars). 4 submissions from 4 submitters: Pathogenic (4). Last evaluated 2024-02-15.

Conditions:
Rare genetic deafness. Identifiers: Orphanet 96210, MedGen C5680250.
Retinitis pigmentosa 39 (RP39). Identifiers: Orphanet 791, MedGen C3151138, MONDO:0013436, OMIM 613809.
Usher syndrome type 2A. Also called: RETINAL DISEASE IN USHER SYNDROME TYPE IIA, MODIFIER OF; USHER SYNDROME, TYPE IIA. Identifiers: Orphanet 231178, Orphanet 886, MedGen C1848634, MONDO:0010169, OMIM 276901.

Submissions (4):

Baylor Genetics
Classification: Pathogenic for Retinitis pigmentosa 39. Last evaluated: 2024-02-15. Review status: criteria provided, single submitter. Criteria: ACMG Guidelines, 2015. Collection method: clinical testing. Allele origin: unknown.

Labcorp Genetics (formerly Invitae), Labcorp
Classification: Pathogenic. Last evaluated: 2023-11-19. Review status: criteria provided, single submitter. Criteria: Invitae Variant Classification Sherloc (09022015). Collection method: clinical testing. Allele origin: germline.
Comment: This sequence change creates a premature translational stop signal (p.Lys665*) in the USH2A gene. It is expected to result in an absent or disrupted protein product. Loss-of-function variants in USH2A are known to be pathogenic (PMID: 10729113, 10909849, 20507924, 25649381). This variant is not present in population databases (gnomAD no frequency). This premature translational stop signal has been observed in individual(s) with deafness (PMID: 23767834). ClinVar contains an entry for this variant (Variation ID: 178971). For these reasons, this variant has been classified as Pathogenic.

Genome-Nilou Lab
Classification: Pathogenic for Usher syndrome type 2A. Last evaluated: 2023-11-04. Review status: criteria provided, single submitter. Criteria: ACMG Guidelines, 2015. Collection method: clinical testing. Allele origin: germline. Affected: no.

Laboratory for Molecular Medicine, Mass General Brigham Personalized Medicine
Classification: Pathogenic for Rare genetic deafness. Last evaluated: 2013-05-31. Review status: criteria provided, single submitter. Criteria: LMM Criteria. Collection method: clinical testing. Allele origin: germline. Observed: 1 variant allele.
Comment: The Lys665X variant in USH2A has not been identified in individuals with hearing loss or in large population studies. This nonsense variant leads to a premature termination codon at position 665, which is predicted to lead to a truncated or absent protein. In summary, this variant meets our criteria to be classified as pathogenic.

Literature cited by the submitters: PubMed 10729113 (cited by Labcorp Genetics (formerly Invitae), Labcorp); PubMed 10909849 (cited by Labcorp Genetics (formerly Invitae), Labcorp); PubMed 20507924 (cited by Labcorp Genetics (formerly Invitae), Labcorp); PubMed 25649381 (cited by Labcorp Genetics (formerly Invitae), Labcorp); PubMed 23767834 (cited by Labcorp Genetics (formerly Invitae), Labcorp).

NM_007123.6(USH2A):c.1992dup (p.Lys665Ter)

Gene: USH2A (usherin; minus strand). Cytogenetic location: 1q41.
Variant type: Duplication.
Coding change: c.1992dup on transcript NM_007123.6; coding-DNA position 1992, one base duplicated (T; older notation c.1992dupT).
Protein change: p.Lys665Ter; replaces lysine 665 with a stop codon.
Genome position (GRCh38, 1-based): chr1:216,251,078, A duplicated on the plus strand (T on the coding strand, the reverse complement: USH2A is on the minus strand). VCF-style (leftmost placement, unchanged base first): chr1-216251077-T-TA. GRCh37 (hg19) VCF-style: chr1-216424419-T-TA.
Other names: NM_206933.2:c.1992dupT; p.Lys665X; c.1992dup, p.Lys665Ter (NM_206933.4); short protein forms K665*.
Identifiers: ClinVar variation 178971 (VCV000178971.13), dbSNP rs730880349, ClinGen allele CA273575.
Genomic context (GRCh38, chr1:216,251,077, plus strand): 5'-CTTGTAGATTGTAGAATCCATTCTGGCACTGATTGCACTGCCTGCCAGACACGTGTCTCT[T>TA]ACAATTACACTGTCCTCCAATCTAGAGAAGATACAACATTTTGTAGAATGATGAACGTAT-3'